The following is an entry in ClinVar:

NM_016122.3(CEP83):c.535A>C (p.Lys179Gln)

Gene: CEP83 (centrosomal protein 83; minus strand). Cytogenetic location: 12q22.
Variant type: single nucleotide variant.
Coding change: c.535A>C on transcript NM_016122.3 (MANE Select); coding-DNA position 535, A replaced by C.
Protein change: p.Lys179Gln; replaces lysine 179 with glutamine.
Molecular consequence: missense variant. On other transcripts: non-coding transcript variant (3), intron variant (2).
Genome position (GRCh38, 1-based): chr12:94,400,864, T>G on the plus strand (A>C on the coding strand, the complement: CEP83 is on the minus strand). VCF-style: chr12-94400864-T-G. GRCh37 (hg19) VCF-style: chr12-94794640-T-G.
Other names: c.535A>C, p.Lys179Gln (NM_001042399.2, NM_001346457.2, NM_001346460.2 and 3 more transcripts); c.223A>C, p.Lys75Gln (NM_001346458.2, NM_001346459.2, NM_001346462.2 and 2 more transcripts); c.324+10833A>C (NM_001368041.1); c.12+10833A>C (NM_001368042.1); short protein forms K179Q, K75Q.
Identifiers: ClinVar variation 1368367 (VCV001368367.8), dbSNP rs2137574851, ClinGen allele CA386142974.

ClinVar aggregate classification (germline): Uncertain significance (1 of 4 stars; one submission).

Conditions:
Nephronophthisis 18 (NPHP18). Identifiers: Orphanet 655, MedGen C3890591, MONDO:0014374, OMIM 615862.

Submission:

Labcorp Genetics (formerly Invitae), Labcorp
Classification: Uncertain significance for Nephronophthisis 18. Last evaluated: 2021-07-18. Review status: criteria provided, single submitter. Criteria: Invitae Variant Classification Sherloc (09022015). Collection method: clinical testing. Allele origin: germline.
Comment: In summary, the available evidence is currently insufficient to determine the role of this variant in disease. Therefore, it has been classified as a Variant of Uncertain Significance. Algorithms developed to predict the effect of missense changes on protein structure and function are either unavailable or do not agree on the potential impact of this missense change (SIFT: "Not Available"; PolyPhen-2: "Probably Damaging"; Align-GVGD: "Not Available"). This variant has not been reported in the literature in individuals affected with CEP83-related conditions. This variant is not present in population databases (ExAC no frequency). This sequence change replaces lysine with glutamine at codon 179 of the CEP83 protein (p.Lys179Gln). The lysine residue is moderately conserved and there is a small physicochemical difference between lysine and glutamine.